The following is an entry in ClinVar:

ClinVar aggregate classification (germline): Uncertain significance (1 of 4 stars; one submission).

Allele frequency attached by ClinVar (database versions not stated): TOPMed below 0.00001.

Submission:

Labcorp Genetics (formerly Invitae), Labcorp
Classification: Uncertain significance. Last evaluated: 2022-04-22. Review status: criteria provided, single submitter. Criteria: Invitae Variant Classification Sherloc (09022015). Collection method: clinical testing. Allele origin: germline.
Comment: In summary, the available evidence is currently insufficient to determine the role of this variant in disease. Therefore, it has been classified as a Variant of Uncertain Significance. Variants that disrupt the consensus splice site are a relatively common cause of aberrant splicing (PMID: 17576681, 9536098). Algorithms developed to predict the effect of sequence changes on RNA splicing suggest that this variant is not likely to affect RNA splicing. This variant has not been reported in the literature in individuals affected with BPTF-related conditions. This variant is not present in population databases (gnomAD no frequency). This sequence change falls in intron 23 of the BPTF gene. It does not directly change the encoded amino acid sequence of the BPTF protein. It affects a nucleotide within the consensus splice site.

Literature cited by the submitters: PubMed 17576681; PubMed 9536098.

NM_182641.4(BPTF):c.7192C>G (p.Gln2398Glu)

Gene: BPTF (bromodomain PHD finger transcription factor; plus strand). Cytogenetic location: 17q24.2.
Variant type: single nucleotide variant.
Coding change: c.7192C>G on transcript NM_182641.4 (MANE Select); coding-DNA position 7192, C replaced by G.
Protein change: p.Gln2398Glu; replaces glutamine 2398 with glutamic acid.
Molecular consequence: missense variant. On other transcripts: intron variant (1).
Genome position (GRCh38, 1-based): chr17:67,945,900, C>G. VCF-style: chr17-67945900-C-G. GRCh37 (hg19) VCF-style: chr17-65942016-C-G.
Other names: c.7566+4C>G (NM_004459.7); short protein forms Q2398E.
Identifiers: ClinVar variation 2128043 (VCV002128043.4), dbSNP rs1371361189, ClinGen allele CA400724563.